The following is an entry in ClinVar:

ClinVar aggregate classification (germline): Uncertain significance (1 of 4 stars; one submission).

Conditions:
Progressive muscular dystrophy. Identifiers: Orphanet 206644, MedGen C4551827, MONDO:0016106.

Submission:

Myriad Genetics, Inc.
Classification: Uncertain significance for Progressive muscular dystrophy. Last evaluated: 2026-06-08. Review status: criteria provided, single submitter. Criteria: Myriad Autosomal Dominant, Autosomal Recessive and X-Linked Classification Criteria (2023). Collection method: clinical testing. Allele origin: unknown.
Comment: NM_004006.2(DMD):c.10280_10282delAGC(Q3427del) is an in-frame deletion classified as a variant of uncertain significance in the context of dystrophinopathy (including Duchenne/Becker muscular dystrophy). Q3427del has not been observed in cases with relevant disease. Relevant functional assessments of this variant are not available in the literature. Q3427del has not been observed in referenced population frequency databases. In summary, there is insufficient evidence to classify NM_004006.2(DMD):c.10280_10282delAGC(Q3427del) as pathogenic or benign. Please note: this variant was assessed in the context of healthy population screening.

NM_004006.3(DMD):c.10280_10282del (p.Gln3427del)

Gene: DMD (dystrophin; minus strand). Cytogenetic location: Xp21.2.
Variant type: Deletion.
Coding change: c.10280_10282del on transcript NM_004006.3 (MANE Select); coding-DNA positions 10280 to 10282, 3 bases deleted (AGC; older notation c.10280_10282delAGC).
Protein change: p.Gln3427del; deletes glutamine 3427.
Molecular consequence: inframe deletion. On other transcripts: intron variant (2).
Genome position (GRCh38, 1-based): chrX:31,173,585-31,173,587, GCT deleted on the plus strand (AGC on the coding strand, the reverse complement: DMD is on the minus strand); deleting any 3 consecutive bases within chrX:31,173,585-31,173,588 gives the same sequence; the c. name uses the placement nearest the transcript's 3' end. VCF-style (leftmost placement, unchanged base first): chrX-31173584-AGCT-A. GRCh37 (hg19) VCF-style: chrX-31191701-AGCT-A.
Other names: c.2900_2902del, p.Gln967del (NM_004013.3, NM_004021.3); c.2093_2095del, p.Gln698del (NM_004014.3); c.1076_1078del, p.Gln359del (NM_004015.3, NM_004016.3); c.1037_1039del, p.Gln346del (NM_004017.3, NM_004018.3); c.2861_2863del, p.Gln954del (NM_004022.3); c.2843+5082_2843+5084del (NM_004023.3, NM_004020.4); c.10256_10258del, p.Gln3419del (NM_000109.4); c.10268_10270del, p.Gln3423del (NM_004009.3); and 3 more; short protein forms Q3304del, Q346del, Q359del, Q2083del, Q3419del, Q967del, Q3423del, Q3427del.
Identifiers: ClinVar variation 5003878 (VCV005003878.1).